The following is an entry in ClinVar:

ClinVar aggregate classification (germline): Uncertain significance (1 of 4 stars; one submission).

Conditions:
Hereditary cancer-predisposing syndrome. Also called: Neoplastic Syndromes, Hereditary; Tumor predisposition; Hereditary neoplastic syndrome; Hereditary Cancer Syndrome. Identifiers: Orphanet 140162, MedGen C0027672, MeSH D009386, MONDO:0015356.

Submission:

Ambry Genetics
Classification: Uncertain significance for Hereditary cancer-predisposing syndrome. Last evaluated: 2023-12-05. Review status: criteria provided, single submitter. Criteria: Ambry Variant Classification Scheme 2023. Collection method: clinical testing. Allele origin: germline.
Comment: The p.P469T variant (also known as c.1405C>A), located in coding exon 8 of the DICER1 gene, results from a C to A substitution at nucleotide position 1405. The proline at codon 469 is replaced by threonine, an amino acid with highly similar properties. This amino acid position is conserved. In addition, the in silico prediction for this alteration is inconclusive. Since supporting evidence is limited at this time, the clinical significance of this alteration remains unclear.

NM_177438.3(DICER1):c.1405C>A (p.Pro469Thr)

Gene: DICER1 (dicer 1, ribonuclease III; minus strand). Cytogenetic location: 14q32.13.
Variant type: single nucleotide variant.
Coding change: c.1405C>A on transcript NM_177438.3 (MANE Select); coding-DNA position 1405, C replaced by A.
Protein change: p.Pro469Thr; replaces proline 469 with threonine.
Molecular consequence: missense variant. On other transcripts: 5 prime UTR variant (1), non-coding transcript variant (6).
Genome position (GRCh38, 1-based): chr14:95,117,726, G>T on the plus strand (C>A on the coding strand, the complement: DICER1 is on the minus strand). VCF-style: chr14-95117726-G-T. GRCh37 (hg19) VCF-style: chr14-95584063-G-T.
Other names: c.1405C>A, p.Pro469Thr (NM_001195573.1, NM_001271282.3, NM_001291628.2 and 13 more transcripts); c.1123C>A, p.Pro375Thr (NM_001395686.1); c.1000C>A, p.Pro334Thr (NM_001395687.1, NM_001395688.1, NM_001395689.1 and 3 more transcripts); c.838C>A, p.Pro280Thr (NM_001395691.1); c.-164C>A (NM_001395697.1); short protein forms P280T, P334T, P375T, P469T.
Identifiers: ClinVar variation 3229310 (VCV003229310.1), dbSNP rs2140138595, ClinGen allele CA390885642.